The following is an entry in ClinVar:

ClinVar aggregate classification (germline): Uncertain significance (1 of 4 stars; one submission).

Conditions:
PCNT-related disorder. Also called: PCNT-related condition.

gnomAD v4.1: 12 of 1,614,086 alleles (0.00074%); highest among the groups gnomAD compares: African/African-American, 0.0027%; no homozygotes.

Submission:

PreventionGenetics, part of Exact Sciences
Classification: Uncertain significance for PCNT-related condition. Last evaluated: 2025-05-27. Review status: criteria provided, single submitter. Criteria: ACMG Guidelines, 2015. Collection method: clinical testing. Allele origin: germline.
Comment: The PCNT c.6269A>T variant is predicted to result in the amino acid substitution p.Asp2090Val. To our knowledge, this variant has not been reported in the literature or in a large population database (gnomAD), indicating this variant is rare. At this time, the clinical significance of this variant is uncertain due to the absence of conclusive functional and genetic evidence.

NM_006031.6(PCNT):c.6269A>T (p.Asp2090Val)

Gene: PCNT (pericentrin; plus strand). Cytogenetic location: 21q22.3.
Variant type: single nucleotide variant.
Coding change: c.6269A>T on transcript NM_006031.6 (MANE Select); coding-DNA position 6269, A replaced by T.
Protein change: p.Asp2090Val; replaces aspartic acid 2090 with valine.
Molecular consequence: missense variant.
Genome position (GRCh38, 1-based): chr21:46,416,187, A>T. VCF-style: chr21-46416187-A-T. GRCh37 (hg19) VCF-style: chr21-47836101-A-T.
Other names: c.5915A>T, p.Asp1972Val (NM_001315529.2); short protein forms D1972V, D2090V.
Identifiers: ClinVar variation 4990340 (VCV004990340.1).